The following is an entry in ClinVar:

NM_002335.4(LRP5):c.2440G>A (p.Ala814Thr)

Gene: LRP5 (LDL receptor related protein 5; plus strand). Cytogenetic location: 11q13.2.
Variant type: single nucleotide variant.
Coding change: c.2440G>A on transcript NM_002335.4 (MANE Select); coding-DNA position 2440, G replaced by A.
Protein change: p.Ala814Thr; replaces alanine 814 with threonine.
Molecular consequence: missense variant.
Genome position (GRCh38, 1-based): chr11:68,411,557, G>A. VCF-style: chr11-68411557-G-A. GRCh37 (hg19) VCF-style: chr11-68179025-G-A.
Other names: c.697G>A, p.Ala233Thr (NM_001291902.2); short protein forms A233T, A814T.
Identifiers: ClinVar variation 1901523 (VCV001901523.6), dbSNP rs573746993, ClinGen allele CA6149635.

ClinVar aggregate classification (germline): Uncertain significance. Review status: criteria provided, multiple submitters, no conflicts (2 of 4 stars). 2 submissions from 2 submitters: Uncertain significance (2). Last evaluated 2025-03-04.

Conditions:
Autosomal dominant osteopetrosis 1 (OPTA1). Also called: OSTEOPETROSIS, AUTOSOMAL DOMINANT, TYPE I. Identifiers: Orphanet 2783, MedGen C1843330, MONDO:0011877, OMIM 607634.
Worth disease. Also called: ENDOSTEAL HYPEROSTOSIS, AUTOSOMAL DOMINANT; OSTEOSCLEROSIS, AUTOSOMAL DOMINANT; Autosomal dominant osteosclerosis, Worth type. Identifiers: Orphanet 2790, MedGen C0432273, MONDO:0007764, OMIM 144750.
Osteoporosis with pseudoglioma (OPPG). Also called: osteoporosis-pseudoglioma syndrome. Identifiers: Orphanet 2788, MedGen C0432252, MONDO:0009820, OMIM 259770.
Exudative vitreoretinopathy 1 (EVR1). Also called: FEVR, AUTOSOMAL DOMINANT; Familial exudative vitreoretinopathy, autosomal dominant; CRISWICK-SCHEPENS SYNDROME. Identifiers: Orphanet 891, Orphanet 90050, MedGen C1851402, MONDO:0007589, OMIM 133780.
Polycystic liver disease 4 with or without kidney cysts. Identifiers: MedGen C4693479, MONDO:0044327, OMIM 617875.
Exudative vitreoretinopathy 4 (EVR4). Identifiers: Orphanet 891, MedGen C1866176, MONDO:0011151, OMIM 601813.

Allele frequency attached by ClinVar (database versions not stated): TOPMed below 0.00001; gnomAD exomes 0.00001; gnomAD 0.00002; ExAC 0.00003; 1000 Genomes Project 0.00020; 1000 Genomes Project 30x 0.00031.
gnomAD v4.1: 17 of 1,613,742 alleles (0.0011%); highest among the groups gnomAD compares: South Asian, 0.0044%; no homozygotes.

Submissions (2):

Labcorp Genetics (formerly Invitae), Labcorp
Classification: Uncertain significance. Last evaluated: 2025-03-04. Review status: criteria provided, single submitter. Criteria: Invitae Variant Classification Sherloc (09022015). Collection method: clinical testing. Allele origin: germline.
Comment: This sequence change replaces alanine, which is neutral and non-polar, with threonine, which is neutral and polar, at codon 814 of the LRP5 protein (p.Ala814Thr). This variant is present in population databases (rs573746993, gnomAD 0.006%). This variant has not been reported in the literature in individuals affected with LRP5-related conditions. ClinVar contains an entry for this variant (Variation ID: 1901523). Invitae Evidence Modeling of protein sequence and biophysical properties (such as structural, functional, and spatial information, amino acid conservation, physicochemical variation, residue mobility, and thermodynamic stability) indicates that this missense variant is not expected to disrupt LRP5 protein function with a negative predictive value of 95%. In summary, the available evidence is currently insufficient to determine the role of this variant in disease. Therefore, it has been classified as a Variant of Uncertain Significance.

Department of Pathology and Laboratory Medicine, Sinai Health System
Classification: Uncertain significance for Exudative vitreoretinopathy 1; Worth disease; Osteoporosis with pseudoglioma; Exudative vitreoretinopathy 4; Autosomal dominant osteopetrosis 1; Polycystic liver disease 4 with or without kidney cysts. Last evaluated: 2021-09-29. Review status: criteria provided, single submitter. Criteria: ACMG Guidelines, 2015. Collection method: research. Allele origin: germline.